The following is an entry in ClinVar:

ClinVar aggregate classification (germline): Likely benign (1 of 4 stars; one submission).

Allele frequency attached by ClinVar (database versions not stated): 1000 Genomes Project 0.00100; 1000 Genomes Project 30x 0.00125; TOPMed 0.00235; ExAC 0.00260; gnomAD 0.00301.
gnomAD v4.1: 5,734 of 1,519,512 alleles (0.38%); highest among the groups gnomAD compares: Non-Finnish European, 0.44%; 13 homozygotes.

Submission:

CeGaT Center for Human Genetics Tuebingen
Classification: Likely benign. Last evaluated: 2023-03-01. Review status: criteria provided, single submitter. Criteria: CeGaT Center For Human Genetics Tuebingen Variant Classification Criteria Version 2. Collection method: clinical testing. Allele origin: germline. Affected: yes. Observed: 1 variant allele.
Comment: FREM3: BP4, BP7

NM_001168235.2(FREM3):c.933C>T (p.Ala311=)

Gene: FREM3 (FRAS1 related extracellular matrix 3; minus strand). Cytogenetic location: 4q31.21.
Variant type: single nucleotide variant.
Coding change: c.933C>T on transcript NM_001168235.2 (MANE Select); coding-DNA position 933, C replaced by T.
Protein change: p.Ala311=; no amino-acid change (alanine 311 retained).
Molecular consequence: synonymous variant.
Genome position (GRCh38, 1-based): chr4:143,699,743, G>A on the plus strand (C>T on the coding strand, the complement: FREM3 is on the minus strand). VCF-style: chr4-143699743-G-A. GRCh37 (hg19) VCF-style: chr4-144620896-G-A.
Identifiers: ClinVar variation 2655108 (VCV002655108.24), dbSNP rs183228561, ClinGen allele CA3091890.